The following is an entry in ClinVar:

ClinVar aggregate classification (germline): Uncertain significance (1 of 4 stars; one submission).

gnomAD v4.1: 6 of 1,574,364 alleles (0.00038%); highest among the groups gnomAD compares: South Asian, 0.0034%; no homozygotes.

Submission:

Labcorp Genetics (formerly Invitae), Labcorp
Classification: Uncertain significance. Last evaluated: 2026-01-21. Review status: criteria provided, single submitter. Criteria: Invitae Variant Classification Sherloc (09022015). Collection method: clinical testing. Allele origin: germline.
Comment: This sequence change replaces leucine, which is neutral and non-polar, with phenylalanine, which is neutral and non-polar, at codon 293 of the GRIN2D protein (p.Leu293Phe). This variant is not present in population databases (gnomAD no frequency). This variant has not been reported in the literature in individuals affected with GRIN2D-related conditions. ClinVar contains an entry for this variant (Variation ID: 2791198). Invitae Evidence Modeling of protein sequence and biophysical properties (such as structural, functional, and spatial information, amino acid conservation, physicochemical variation, residue mobility, and thermodynamic stability) indicates that this missense variant is not expected to disrupt GRIN2D protein function with a negative predictive value of 95%. In summary, the available evidence is currently insufficient to determine the role of this variant in disease. Therefore, it has been classified as a Variant of Uncertain Significance.

NM_000836.4(GRIN2D):c.877C>T (p.Leu293Phe)

Gene: GRIN2D (glutamate ionotropic receptor NMDA type subunit 2D; plus strand). Cytogenetic location: 19q13.33.
Variant type: single nucleotide variant.
Coding change: c.877C>T on transcript NM_000836.4 (MANE Select); coding-DNA position 877, C replaced by T.
Protein change: p.Leu293Phe; replaces leucine 293 with phenylalanine.
Molecular consequence: missense variant.
Genome position (GRCh38, 1-based): chr19:48,405,145, C>T. VCF-style: chr19-48405145-C-T. GRCh37 (hg19) VCF-style: chr19-48908402-C-T.
Other names: short protein forms L293F.
Identifiers: ClinVar variation 2791198 (VCV002791198.3), dbSNP rs765129833, ClinGen allele CA9550403.